The following is an entry in ClinVar:

NM_004523.4(KIF11):c.574-81GT[22]

Gene: KIF11 (kinesin family member 11; plus strand). Cytogenetic location: 10q23.33.
Variant type: Microsatellite.
Coding change: c.574-81GT[22] on transcript NM_004523.4 (MANE Select); 22 copies in a row of the 2-base unit GT starting at c.574-81; the reference has 20 copies in a row; two copies, 4 bases duplicated.
Molecular consequence: intron variant.
Genome position (GRCh38, 1-based): chr10:92,609,340-92,609,343, GTGT duplicated; duplicating any 4 consecutive bases within chr10:92,609,304-92,609,343 gives the same sequence; the position shown is the placement nearest the transcript's 3' end. VCF-style (leftmost placement, unchanged base first): chr10-92609303-A-AGTGT. GRCh37 (hg19) VCF-style: chr10-94369060-A-AGTGT.
Identifiers: ClinVar variation 1706657 (VCV001706657.2), dbSNP rs368696835, ClinGen allele CA595264505.

ClinVar aggregate classification (germline): Likely benign (1 of 4 stars; one submission).

Submission:

GeneDx
Classification: Likely benign. Last evaluated: 2020-10-17. Review status: criteria provided, single submitter. Criteria: GeneDx Variant Classification Process June 2021. Collection method: clinical testing. Allele origin: germline. Affected: yes.
Comment: See Variant Classification Assertion Criteria.